The following is an entry in ClinVar:

ClinVar aggregate classification (germline): Uncertain significance (1 of 4 stars; one submission).

Conditions:
Cryptosporidiosis-chronic cholangitis-liver disease syndrome. Also called: Immunodeficiency type 56; IL21R immunodeficiency. Identifiers: Orphanet 357329, MedGen C3554687, MONDO:0014082, OMIM 615207.

Allele frequency attached by ClinVar (database versions not stated): gnomAD exomes below 0.00001.
gnomAD v4.1: 1 of 1,613,270 alleles (0.000062%); highest among the groups gnomAD compares: Non-Finnish European, 0.000085%; no homozygotes.

Submission:

Labcorp Genetics (formerly Invitae), Labcorp
Classification: Uncertain significance for Cryptosporidiosis-chronic cholangitis-liver disease syndrome. Last evaluated: 2018-10-14. Review status: criteria provided, single submitter. Criteria: Invitae Variant Classification Sherloc (09022015). Collection method: clinical testing. Allele origin: germline.
Comment: This sequence change replaces proline with leucine at codon 347 of the IL21R protein (p.Pro347Leu). The proline residue is moderately conserved and there is a moderate physicochemical difference between proline and leucine. This variant is not present in population databases (ExAC no frequency). This variant has not been reported in the literature in individuals with IL21R-related disease. Algorithms developed to predict the effect of missense changes on protein structure and function output the following: SIFT: "Deleterious"; PolyPhen-2: "Benign"; Align-GVGD: "Class C0". The leucine amino acid residue is found in multiple mammalian species, suggesting that this missense change does not adversely affect protein function. These predictions have not been confirmed by published functional studies and their clinical significance is uncertain. In summary, the available evidence is currently insufficient to determine the role of this variant in disease. Therefore, it has been classified as a Variant of Uncertain Significance.

NM_181078.3(IL21R):c.1040C>T (p.Pro347Leu)

Genes: IL21R (interleukin 21 receptor; plus strand), IL21R-AS1 (IL21R antisense RNA 1; minus strand). Cytogenetic location: 16p12.1.
Variant type: single nucleotide variant.
Coding change: c.1040C>T on transcript NM_181078.3 (MANE Select); coding-DNA position 1040, C replaced by T.
Protein change: p.Pro347Leu; replaces proline 347 with leucine.
Molecular consequence: missense variant. On other transcripts: non-coding transcript variant (1).
Genome position (GRCh38, 1-based): chr16:27,448,706, C>T. VCF-style: chr16-27448706-C-T. GRCh37 (hg19) VCF-style: chr16-27460027-C-T.
Other names: c.1040C>T, p.Pro347Leu (NM_021798.4); c.1106C>T, p.Pro369Leu (NM_181079.5); short protein forms P369L, P347L.
Identifiers: ClinVar variation 652882 (VCV000652882.9), dbSNP rs1596600087, ClinGen allele CA395307068.